The following is an entry in ClinVar:

NM_000038.6(APC):c.212G>C (p.Arg71Pro)

Gene: APC (APC regulator of Wnt signaling pathway; plus strand). Cytogenetic location: 5q22.2.
Variant type: single nucleotide variant.
Coding change: c.212G>C on transcript NM_000038.6 (MANE Select); coding-DNA position 212, G replaced by C.
Protein change: p.Arg71Pro; replaces arginine 71 with proline.
Molecular consequence: missense variant. On other transcripts: 5 prime UTR variant (4), non-coding transcript variant (2).
Genome position (GRCh38, 1-based): chr5:112,766,402, G>C. VCF-style: chr5-112766402-G-C. GRCh37 (hg19) VCF-style: chr5-112102099-G-C.
Other names: c.212G>C, p.Arg71Pro (NM_001127510.3, NM_001354895.2, NM_001354896.2 and 16 more transcripts); c.242G>C, p.Arg81Pro (NM_001127511.3, NM_001354897.2, NM_001354902.2 and 1 more transcripts); c.137G>C, p.Arg46Pro (NM_001354898.2, NM_001354904.2, NM_001407451.1); c.35G>C, p.Arg12Pro (NM_001354900.2, NM_001354901.2, NM_001354905.2 and 1 more transcripts); c.-824G>C (NM_001354906.2, NM_001407470.1, NM_001407471.1 and 1 more transcripts); short protein forms R71P, R81P, R12P, R46P.
Identifiers: ClinVar variation 3591566 (VCV003591566.3).
Genomic context (GRCh38, chr5:112,766,402, plus strand): 5'-TACAAGGAAGTATTGAAGATGAAGCTATGGCTTCTTCTGGACAGATTGATTTATTAGAGC[G>C]TCTTAAAGGTAGATTTTAAAAAGGTGTTTTAAAATAATTTTTTAAGCTCAAATTGTCATC-3'
Protein context (NP_000029.2, residues 61-81): ASSGQIDLLE[Arg71Pro]LKELNLDSSN

ClinVar aggregate classification (germline): Uncertain significance. Review status: criteria provided, multiple submitters, no conflicts (2 of 4 stars). 2 submissions from 2 submitters: Uncertain significance (2). Last evaluated 2025-07-07.

Conditions:
Familial adenomatous polyposis 1 (FAP1). Also called: FAMILIAL ADENOMATOUS POLYPOSIS 1, ATTENUATED; POLYPOSIS, ADENOMATOUS INTESTINAL. Identifiers: MedGen C2713442, MONDO:0021056, OMIM 175100. Disease mechanism: loss of function.
Gastric cancer. Also called: Stomach cancer; Malignant tumor of stomach. Identifiers: MedGen C0024623, MeSH D013274, MONDO:0001056, OMIM 613659, HP:0012126.
Hepatocellular carcinoma (HCC). Also called: Primary carcinoma of liver; HEPATOMA; LIVER CELL CARCINOMA. Identifiers: Orphanet 88673, MedGen C2239176, MONDO:0007256, OMIM 114550, HP:0001402.
Colorectal cancer. Also called: Colorectal cancer, somatic; Malignant Colorectal Neoplasm. Identifiers: MedGen C0346629, MONDO:0005575, OMIM 114500.
Gastric adenocarcinoma and proximal polyposis of the stomach (GAPPS). Also called: Gastric Adenocarcinoma and Proximal Polyposis of the Stomach (GAPPS); Polyposis, gastric, Dos Santos and de Magalhaes 1980; POLYPOSIS, GASTRIC. Identifiers: Orphanet 314022, MedGen C4749917, MONDO:0017790, OMIM 619182.
Desmoid disease, hereditary (DESMD). Also called: FIBROMATOSIS, FAMILIAL INFILTRATIVE. Identifiers: Orphanet 873, MedGen C1851124, OMIM 135290. Disease mechanism: loss of function.

Submissions (2):

Labcorp Genetics (formerly Invitae), Labcorp
Classification: Uncertain significance for Familial adenomatous polyposis 1. Last evaluated: 2025-07-07. Review status: criteria provided, single submitter. Criteria: Invitae Variant Classification Sherloc (09022015). Collection method: clinical testing. Allele origin: germline.
Comment: This sequence change replaces arginine, which is basic and polar, with proline, which is neutral and non-polar, at codon 71 of the APC protein (p.Arg71Pro). This variant is not present in population databases (gnomAD no frequency). This variant has not been reported in the literature in individuals affected with APC-related conditions. ClinVar contains an entry for this variant (Variation ID: 3591566). Invitae Evidence Modeling of protein sequence and biophysical properties (such as structural, functional, and spatial information, amino acid conservation, physicochemical variation, residue mobility, and thermodynamic stability) indicates that this missense variant is not expected to disrupt APC protein function with a negative predictive value of 95%. In summary, the available evidence is currently insufficient to determine the role of this variant in disease. Therefore, it has been classified as a Variant of Uncertain Significance.

Fulgent Genetics
Classification: Uncertain significance for Colorectal cancer; Hepatocellular carcinoma; Desmoid disease, hereditary; Familial adenomatous polyposis 1; Gastric cancer; Gastric adenocarcinoma and proximal polyposis of the stomach. Last evaluated: 2024-04-24. Review status: criteria provided, single submitter. Criteria: ACMG Guidelines, 2015. Collection method: clinical testing. Allele origin: germline.